The following is an entry in ClinVar:

NM_001987.5(ETV6):c.137A>G (p.Asp46Gly)

Gene: ETV6 (ETS variant transcription factor 6; plus strand). Cytogenetic location: 12p13.2.
Variant type: single nucleotide variant.
Coding change: c.137A>G on transcript NM_001987.5 (MANE Select); coding-DNA position 137, A replaced by G.
Protein change: p.Asp46Gly; replaces aspartic acid 46 with glycine.
Molecular consequence: missense variant. On other transcripts: intron variant (1).
Genome position (GRCh38, 1-based): chr12:11,752,553, A>G. VCF-style: chr12-11752553-A-G. GRCh37 (hg19) VCF-style: chr12-11905487-A-G.
Other names: c.134A>G, p.Asp45Gly (NM_001413913.1); c.110A>G, p.Asp37Gly (NM_001413914.1); c.137A>G, p.Asp46Gly (NM_001413916.1, NM_001413917.1, NM_001413918.1); c.-101-86587A>G (NM_001413915.1); short protein forms D46G, D37G, D45G.
Identifiers: ClinVar variation 4020122 (VCV004020122.1).

ClinVar aggregate classification (germline): Uncertain significance (1 of 4 stars; one submission).

Conditions:
Inborn genetic diseases. Identifiers: MedGen C0950123, MeSH D030342.

Submission:

Ambry Genetics
Classification: Uncertain significance for Inborn genetic diseases. Last evaluated: 2025-06-06. Review status: criteria provided, single submitter. Criteria: Ambry Variant Classification Scheme 2023. Collection method: clinical testing. Allele origin: germline.
Comment: The p.D46G variant (also known as c.137A>G), located in coding exon 2 of the ETV6 gene, results from an A to G substitution at nucleotide position 137. The aspartic acid at codon 46 is replaced by glycine, an amino acid with similar properties. This amino acid position is conserved. In addition, this alteration is predicted to be tolerated by in silico analysis. Based on the available evidence, the clinical significance of this variant remains unclear.